The following is an entry in ClinVar:

NM_000396.4(CTSK):c.127G>T (p.Glu43Ter)

Gene: CTSK (cathepsin K; minus strand). Cytogenetic location: 1q21.3.
Variant type: single nucleotide variant.
Coding change: c.127G>T on transcript NM_000396.4 (MANE Select); coding-DNA position 127, G replaced by T.
Protein change: p.Glu43Ter; replaces glutamic acid 43 with a stop codon.
Molecular consequence: nonsense.
Genome position (GRCh38, 1-based): chr1:150,806,218, C>A on the plus strand (G>T on the coding strand, the complement: CTSK is on the minus strand). VCF-style: chr1-150806218-C-A. GRCh37 (hg19) VCF-style: chr1-150778694-C-A.
Other names: short protein forms E43*.
Identifiers: ClinVar variation 1726256 (VCV001726256.2), dbSNP rs2525178878, ClinGen allele CA342337429.

ClinVar aggregate classification (germline): Likely pathogenic (1 of 4 stars; one submission).

Conditions:
Pyknodysostosis. Also called: Pycnodysostosis. Identifiers: Orphanet 763, MedGen C0238402, MONDO:0009940, OMIM 265800.

Submission:

Myriad Genetics, Inc.
Classification: Likely pathogenic for Pyknodysostosis. Last evaluated: 2022-03-30. Review status: criteria provided, single submitter. Criteria: Myriad Women's Health Autosomal Recessive and X-Linked Classification Criteria (2021). Collection method: clinical testing. Allele origin: unknown.
Comment: NM_000396.3(CTSK):c.127G>T(E43*) is expected to be pathogenic in the context of pycnodysostosis. This variant is predicted to lead to an abnormal or absent protein product due to the creation of a premature termination codon in CTSK, a gene where loss-of-function variants are known to be pathogenic. Please note: this variant was assessed in the context of healthy population screening.